The following is an entry in ClinVar:

NM_003924.4(PHOX2B):c.874G>T (p.Ala292Ser)

Gene: PHOX2B (paired like homeobox 2B; minus strand). Cytogenetic location: 4p13.
Variant type: single nucleotide variant.
Coding change: c.874G>T on transcript NM_003924.4 (MANE Select); coding-DNA position 874, G replaced by T.
Protein change: p.Ala292Ser; replaces alanine 292 with serine.
Molecular consequence: missense variant.
Genome position (GRCh38, 1-based): chr4:41,745,878, C>A on the plus strand (G>T on the coding strand, the complement: PHOX2B is on the minus strand). VCF-style: chr4-41745878-C-A. GRCh37 (hg19) VCF-style: chr4-41747895-C-A.
Other names: short protein forms A292S.
Identifiers: ClinVar variation 5026626 (VCV005026626.1).
Genomic context (GRCh38, chr4:41,745,878, plus strand): 5'-TGCTCTTCACTAAGGCGGCTTTGGCACCGTTGGGTCTTTGGAGCGAAGATAGGACGCTGG[C>A]GAAGGGACCCCCAAGCGAATCCGGGATGGAGGTGATGGGGCCGGGGCCGGGAGCCCAGCC-3'
Protein context (NP_003915.2, residues 282-302): SIPDSLGGPF[Ala292Ser]SVLSSLQRPN

ClinVar aggregate classification (germline): Uncertain significance (1 of 4 stars; one submission).

Conditions:
Hereditary cancer-predisposing syndrome. Also called: Neoplastic Syndromes, Hereditary; Tumor predisposition; Hereditary neoplastic syndrome; Hereditary Cancer Syndrome. Identifiers: Orphanet 140162, MedGen C0027672, MeSH D009386, MONDO:0015356.

Submission:

Ambry Genetics
Classification: Uncertain significance for Hereditary cancer-predisposing syndrome. Last evaluated: 2026-07-08. Review status: criteria provided, single submitter. Criteria: Ambry Variant Classification Scheme 2023. Collection method: clinical testing. Allele origin: germline.
Comment: The p.A292S variant (also known as c.874G>T), located in coding exon 3 of the PHOX2B gene, results from a G to T substitution at nucleotide position 874. The alanine at codon 292 is replaced by serine, an amino acid with similar properties. This amino acid position is conserved. In addition, the in silico prediction for this alteration is inconclusive. Based on the available evidence, the clinical significance of this variant remains unclear.